The following is an entry in ClinVar:

ClinVar aggregate classification (germline): Uncertain significance (1 of 4 stars; one submission).

Conditions:
FG syndrome (FGS). Identifiers: MedGen C0220769, MONDO:0002010.

Submission:

Labcorp Genetics (formerly Invitae), Labcorp
Classification: Uncertain significance for FG syndrome. Last evaluated: 2025-10-09. Review status: criteria provided, single submitter. Criteria: Invitae Variant Classification Sherloc (09022015). Collection method: clinical testing. Allele origin: germline.
Comment: This sequence change replaces proline, which is neutral and non-polar, with serine, which is neutral and polar, at codon 644 of the MED12 protein (p.Pro644Ser). This variant is not present in population databases (gnomAD no frequency). This variant has not been reported in the literature in individuals affected with MED12-related conditions. Invitae Evidence Modeling of protein sequence and biophysical properties (such as structural, functional, and spatial information, amino acid conservation, physicochemical variation, residue mobility, and thermodynamic stability) indicates that this missense variant is not expected to disrupt MED12 protein function with a negative predictive value of 95%. In summary, the available evidence is currently insufficient to determine the role of this variant in disease. Therefore, it has been classified as a Variant of Uncertain Significance.

NM_005120.3(MED12):c.1930C>T (p.Pro644Ser)

Gene: MED12 (mediator complex subunit 12; plus strand). Cytogenetic location: Xq13.1.
Variant type: single nucleotide variant.
Coding change: c.1930C>T on transcript NM_005120.3 (MANE Select); coding-DNA position 1930, C replaced by T.
Protein change: p.Pro644Ser; replaces proline 644 with serine.
Molecular consequence: missense variant.
Genome position (GRCh38, 1-based): chrX:71,124,344, C>T. VCF-style: chrX-71124344-C-T. GRCh37 (hg19) VCF-style: chrX-70344194-C-T.
Other names: short protein forms P644S.
Identifiers: ClinVar variation 4801062 (VCV004801062.1).